The following is an entry in ClinVar:

NM_005159.5(ACTC1):c.1023C>A (p.Val341=)

Genes: ACTC1 (actin alpha cardiac muscle 1; minus strand), GJD2-DT (GJD2 divergent transcript; plus strand). Cytogenetic location: 15q14.
Variant type: single nucleotide variant.
Coding change: c.1023C>A on transcript NM_005159.5 (MANE Select); coding-DNA position 1023, C replaced by A.
Protein change: p.Val341=; no amino-acid change (valine 341 retained).
Molecular consequence: synonymous variant.
Genome position (GRCh38, 1-based): chr15:34,790,523, G>T on the plus strand (C>A on the coding strand, the complement: ACTC1 is on the minus strand). VCF-style: chr15-34790523-G-T. GRCh37 (hg19) VCF-style: chr15-35082724-G-T.
Other names: c.1023C>A, p.Val341= (NM_001406482.1, NM_001406483.1); c.888C>A, p.Val296= (NM_001406484.1); c.582C>A, p.Val194= (NM_001406485.1).
Identifiers: ClinVar variation 3071212 (VCV003071212.1), dbSNP rs1175020886, ClinGen allele CA489418001.
Genomic context (GRCh38, chr15:34,790,523, plus strand): 5'-CTTGCTAATCCACATTTGCTGGAAGGTGGACAGAGAGGCCAGGATGGAGCCCCCAATCCA[G>T]ACAGAGTATTTACGCTCAGGGGGAGCAATAATCTGCAGAAAGAAAACAAAAACTTCCAGT-3'
Protein context (NP_005150.1, residues 331-351): IIAPPERKYS[Val341=]WIGGSILASL

ClinVar aggregate classification (germline): Likely benign (1 of 4 stars; one submission).

Conditions:
Hypertrophic cardiomyopathy. Also called: HYPERTROPHIC MYOCARDIOPATHY. Identifiers: Orphanet 217569, MedGen C0007194, MeSH D002312, MONDO:0005045, HP:0001639.

gnomAD v4.1: 1 of 1,614,132 alleles (0.000062%); highest among the groups gnomAD compares: Non-Finnish European, 0.000085%; no homozygotes.

Submission:

All of Us Research Program, National Institutes of Health
Classification: Likely benign for Hypertrophic cardiomyopathy. Last evaluated: 2023-05-16. Review status: criteria provided, single submitter. Criteria: ACMG Guidelines, 2015. Collection method: clinical testing. Allele origin: germline. Inheritance: Autosomal dominant inheritance. Observed: 1 variant allele, 1 heterozygote.
Comment: This study involves interpretation of variants in research participants for the purpose of population health screening. Participant phenotype was not available at the time of variant classification. Additional details can be found in publication PMID: 35346344, PMCID: PMC8962531